The following is an entry in ClinVar:

ClinVar aggregate classification (germline): Uncertain significance (1 of 4 stars; one submission).

Submission:

Labcorp Genetics (formerly Invitae), Labcorp
Classification: Uncertain significance. Last evaluated: 2024-02-14. Review status: criteria provided, single submitter. Criteria: Invitae Variant Classification Sherloc (09022015). Collection method: clinical testing. Allele origin: germline.
Comment: This sequence change replaces serine, which is neutral and polar, with asparagine, which is neutral and polar, at codon 309 of the CPA1 protein (p.Ser309Asn). Information on the frequency of this variant in the gnomAD database is not available, as this variant may be reported differently in the database. This variant has not been reported in the literature in individuals affected with CPA1-related conditions. An algorithm developed to predict the effect of missense changes on protein structure and function (PolyPhen-2) suggests that this variant is likely to be disruptive. In summary, the available evidence is currently insufficient to determine the role of this variant in disease. Therefore, it has been classified as a Variant of Uncertain Significance.

NM_001868.4(CPA1):c.925_926delinsAA (p.Ser309Asn)

Gene: CPA1 (carboxypeptidase A1; plus strand). Cytogenetic location: 7q32.2.
Variant type: Indel.
Coding change: c.925_926delinsAA on transcript NM_001868.4 (MANE Select); coding-DNA positions 925 to 926, TC replaced by AA.
Protein change: p.Ser309Asn; replaces serine 309 with asparagine.
Molecular consequence: missense variant.
Genome position (GRCh38, 1-based): chr7:130,385,283-130,385,284, TC replaced by AA. VCF-style: chr7-130385283-TC-AA. GRCh37 (hg19) VCF-style: chr7-130025124-TC-AA.
Other names: short protein forms S309N.
Identifiers: ClinVar variation 3640669 (VCV003640669.2).